The following is an entry in ClinVar:

ClinVar aggregate classification (germline): Likely pathogenic (1 of 4 stars; one submission).

Conditions:
Fabry disease. Also called: ALPHA-GALACTOSIDASE A DEFICIENCY; ANDERSON-FABRY DISEASE; CERAMIDE TRIHEXOSIDASE DEFICIENCY; GLA DEFICIENCY; HEREDITARY DYSTOPIC LIPIDOSIS; Angiokeratoma corporis diffusum. Identifiers: Orphanet 324, MedGen C0002986, MONDO:0010526, OMIM 301500, HP:0001071. Disease mechanism: Fabry disease is due to inactivating mutations in the X-linked GLA gene resulting in deficiency of the enzyme Alpha Galactosidase-A., loss of function.

Submission:

Genomenon, Inc
Classification: Likely pathogenic for Fabry disease. Last evaluated: 2026-09-08. Review status: criteria provided, single submitter. Criteria: Genomenon Sequence Variant Interpretation Standards - Updated. Collection method: curation. Allele origin: germline. Affected: no.
Comment: GLA p.Tyr329SerfsTer19 (c.986del) is a frameshift variant that is predicted to introduce a premature termination codon and result in a truncated or absent protein product. This variant has been reported in the published literature (PMID:32963035;15776423). It is absent or not present at a significant frequency in gnomAD. In conclusion, we classify GLA p.Tyr329SerfsTer19 (c.986del) as a likely pathogenic variant.

Literature cited by the submitters: PubMed 32963035; PubMed 15776423.

NM_000169.3(GLA):c.986del (p.Tyr329fs)

Genes: GLA (galactosidase alpha; minus strand), RPL36A-HNRNPH2 (RPL36A-HNRNPH2 readthrough; plus strand). Cytogenetic location: Xq22.1.
Variant type: Deletion.
Coding change: c.986del on transcript NM_000169.3 (MANE Select); coding-DNA position 986, one base deleted (A; older notation c.986delA).
Protein change: p.Tyr329fs; shifts the reading frame from tyrosine 329.
Molecular consequence: frameshift variant. On other transcripts: non-coding transcript variant (3), intron variant (2).
Genome position (GRCh38, 1-based): chrX:101,398,383, T deleted on the plus strand (A on the coding strand, the reverse complement: GLA is on the minus strand). VCF-style (leftmost placement, unchanged base first): chrX-101398382-GT-G. GRCh37 (hg19) VCF-style: chrX-100653370-GT-G.
Other names: c.1109del, p.Tyr370fs (NM_001406747.1); c.986del, p.Tyr329fs (NM_001406748.1); c.300+2926del (NM_001199973.2); c.177+6561del (NM_001199974.2); short protein forms Y329fs, Y370fs.
Identifiers: ClinVar variation 4087034 (VCV004087034.2).